The following is an entry in ClinVar:

NM_024422.6(DSC2):c.1934C>T (p.Ser645Leu)

Gene: DSC2 (desmocollin 2; minus strand). Cytogenetic location: 18q12.1.
Variant type: single nucleotide variant.
Coding change: c.1934C>T on transcript NM_024422.6 (MANE Select); coding-DNA position 1934, C replaced by T.
Protein change: p.Ser645Leu; replaces serine 645 with leucine.
Molecular consequence: missense variant.
Genome position (GRCh38, 1-based): chr18:31,071,796, G>A on the plus strand (C>T on the coding strand, the complement: DSC2 is on the minus strand). VCF-style: chr18-31071796-G-A. GRCh37 (hg19) VCF-style: chr18-28651762-G-A.
Other names: c.1934C>T, p.Ser645Leu (NM_004949.5); short protein forms S645L.
Identifiers: ClinVar variation 468372 (VCV000468372.12), dbSNP rs1339580561, ClinGen allele CA402113357.

ClinVar aggregate classification (germline): Uncertain significance. Review status: criteria provided, multiple submitters, no conflicts (2 of 4 stars). 4 submissions from 4 submitters: Uncertain significance (4). Last evaluated 2025-03-31.

Conditions:
Cardiovascular phenotype. Identifiers: MedGen CN230736.
Familial isolated arrhythmogenic right ventricular dysplasia. Identifiers: Orphanet 217656, MedGen C4274968, MONDO:0016342.
Arrhythmogenic right ventricular dysplasia 11. Also called: Arrhythmogenic Right Ventricular Dysplasia/Cardiomyopathy11; ARRHYTHMOGENIC RIGHT VENTRICULAR DYSPLASIA, FAMILIAL, 11; Arrhythmogenic right ventricular dysplasia 11 with mild palmoplantar keratoderma and woolly hair. Identifiers: MedGen C1864850, MONDO:0012506, OMIM 610476.
Cardiomyopathy (CMYO). Also called: Cardiomyopathies. Identifiers: Orphanet 167848, MedGen C0878544, MONDO:0004994, HP:0001638. Inheritance: Various modes of inheritance.

Allele frequency attached by ClinVar (database versions not stated): gnomAD exomes below 0.00001.
gnomAD v4.1: 6 of 1,613,972 alleles (0.00037%); highest among the groups gnomAD compares: Middle Eastern, 0.016%; no homozygotes.

Submissions (4):

Color Diagnostics, LLC DBA Color Health
Classification: Uncertain significance for Cardiomyopathy. Last evaluated: 2025-03-31. Review status: criteria provided, single submitter. Criteria: ACMG Guidelines, 2015. Collection method: clinical testing. Allele origin: germline.
Comment: This missense variant replaces serine with leucine at codon 645 of the DSC2 protein. Computational prediction suggests that this variant may not impact protein structure and function (internally defined REVEL score threshold <= 0.5, PMID: 27666373). To our knowledge, functional studies have not been reported for this variant. This variant has not been reported in individuals affected with DSC2-related disorders in the literature. This variant has been identified in 1/250638 chromosomes in the general population by the Genome Aggregation Database (gnomAD). The available evidence is insufficient to determine the role of this variant in disease conclusively. Therefore, this variant is classified as a Variant of Uncertain Significance.

Labcorp Genetics (formerly Invitae), Labcorp
Classification: Uncertain significance for Arrhythmogenic right ventricular dysplasia 11. Last evaluated: 2024-10-13. Review status: criteria provided, single submitter. Criteria: Invitae Variant Classification Sherloc (09022015). Collection method: clinical testing. Allele origin: germline.
Comment: This sequence change replaces serine, which is neutral and polar, with leucine, which is neutral and non-polar, at codon 645 of the DSC2 protein (p.Ser645Leu). This variant is present in population databases (no rsID available, gnomAD 0.0009%). This variant has not been reported in the literature in individuals affected with DSC2-related conditions. ClinVar contains an entry for this variant (Variation ID: 468372). Invitae Evidence Modeling of protein sequence and biophysical properties (such as structural, functional, and spatial information, amino acid conservation, physicochemical variation, residue mobility, and thermodynamic stability) indicates that this missense variant is not expected to disrupt DSC2 protein function with a negative predictive value of 80%. In summary, the available evidence is currently insufficient to determine the role of this variant in disease. Therefore, it has been classified as a Variant of Uncertain Significance.

All of Us Research Program, National Institutes of Health
Classification: Uncertain significance for Familial isolated arrhythmogenic right ventricular dysplasia. Last evaluated: 2023-09-17. Review status: criteria provided, single submitter. Criteria: ACMG Guidelines, 2015. Collection method: clinical testing. Allele origin: germline. Inheritance: Autosomal dominant inheritance. Observed: 1 variant allele, 1 heterozygote.
Comment: This missense variant replaces serine with leucine at codon 645 of the DSC2 protein. Computational prediction suggests that this variant may not impact protein structure and function (internally defined REVEL score threshold <= 0.5, PMID: 27666373). To our knowledge, functional studies have not been reported for this variant. This variant has not been reported in individuals affected with DSC2-related disorders in the literature. This variant has been identified in 1/250638 chromosomes in the general population by the Genome Aggregation Database (gnomAD). The available evidence is insufficient to determine the role of this variant in disease conclusively. Therefore, this variant is classified as a Variant of Uncertain Significance.

This study involves interpretation of variants in research participants for the purpose of population health screening. Participant phenotype was not available at the time of variant classification. Additional details can be found in publication PMID: 35346344, PMCID: PMC8962531

Ambry Genetics
Classification: Uncertain significance for Cardiovascular phenotype. Last evaluated: 2021-11-24. Review status: criteria provided, single submitter. Criteria: Ambry Variant Classification Scheme 2023. Collection method: clinical testing. Allele origin: germline.
Comment: The p.S645L variant (also known as c.1934C>T), located in coding exon 13 of the DSC2 gene, results from a C to T substitution at nucleotide position 1934. The serine at codon 645 is replaced by leucine, an amino acid with dissimilar properties. This amino acid position is conserved. In addition, this alteration is predicted to be tolerated by in silico analysis. Since supporting evidence is limited at this time, the clinical significance of this alteration remains unclear.